The following is an entry in ClinVar:

ClinVar aggregate classification (germline): Conflicting classifications of pathogenicity. Review status: criteria provided, conflicting classifications (1 of 4 stars). 8 submissions from 8 submitters: Uncertain significance (3); Benign (1); Likely benign (2). 2 of the submissions do not count toward it. Last evaluated 2026-01-02.

Conditions:
Colorectal cancer. Also called: Malignant Colorectal Neoplasm; Colorectal cancer, somatic. Identifiers: MedGen C0346629, MONDO:0005575, OMIM 114500.
Hereditary cancer-predisposing syndrome. Also called: Neoplastic Syndromes, Hereditary; Tumor predisposition; Hereditary Cancer Syndrome; Hereditary neoplastic syndrome. Identifiers: Orphanet 140162, MedGen C0027672, MeSH D009386, MONDO:0015356.
Familial adenomatous polyposis 1 (FAP1). Also called: FAMILIAL ADENOMATOUS POLYPOSIS 1, ATTENUATED; POLYPOSIS, ADENOMATOUS INTESTINAL. Identifiers: MedGen C2713442, MONDO:0021056, OMIM 175100. Disease mechanism: loss of function.

Allele frequency attached by ClinVar (database versions not stated): gnomAD exomes below 0.00001 and 0.00002; ExAC 0.00001; gnomAD 0.00001; 1000 Genomes Project 30x 0.00016; 1000 Genomes Project 0.00020.
gnomAD v4.1: 8 of 1,613,850 alleles (0.0005%); highest among the groups gnomAD compares: East Asian, 0.013%; no homozygotes.

Submissions (8):

Labcorp Genetics (formerly Invitae), Labcorp
Classification: Uncertain significance for Familial adenomatous polyposis 1. Last evaluated: 2026-01-02. Review status: criteria provided, single submitter. Criteria: Invitae Variant Classification Sherloc (09022015). Collection method: clinical testing. Allele origin: germline.
Comment: This sequence change replaces glutamine, which is neutral and polar, with glutamic acid, which is acidic and polar, at codon 1764 of the APC protein (p.Gln1764Glu). This variant is present in population databases (rs529543591, gnomAD 0.02%). This variant has not been reported in the literature in individuals affected with APC-related conditions. ClinVar contains an entry for this variant (Variation ID: 141021). Invitae Evidence Modeling of protein sequence and biophysical properties (such as structural, functional, and spatial information, amino acid conservation, physicochemical variation, residue mobility, and thermodynamic stability) indicates that this missense variant is not expected to disrupt APC protein function with a negative predictive value of 95%. In summary, the available evidence is currently insufficient to determine the role of this variant in disease. Therefore, it has been classified as a Variant of Uncertain Significance.

Myriad Genetics, Inc.
Classification: Likely benign for Familial adenomatous polyposis 1. Last evaluated: 2025-01-29. Review status: criteria provided, single submitter. Criteria: Myriad Autosomal Dominant, Autosomal Recessive and X-Linked Classification Criteria (2023). Collection method: clinical testing. Allele origin: unknown.
Comment: This variant is considered likely benign. This variant has been observed at a population frequency that is significantly greater than expected given the associated disease prevalence and penetrance.

Color Diagnostics, LLC DBA Color Health
Classification: Likely benign for Hereditary cancer-predisposing syndrome. Last evaluated: 2024-03-11. Review status: criteria provided, single submitter. Criteria: ACMG Guidelines, 2015. Collection method: clinical testing. Allele origin: germline.

GeneDx
Classification: Uncertain significance. Last evaluated: 2023-10-10. Review status: criteria provided, single submitter. Criteria: GeneDx Variant Classification Process June 2021. Collection method: clinical testing. Allele origin: germline. Affected: yes.
Comment: Not observed at significant frequency in large population cohorts (gnomAD); In silico analysis supports that this missense variant does not alter protein structure/function; Observed in individuals with breast cancer (Chen et al., 2020); This variant is associated with the following publications: (PMID: 32091409, 18199528)

Baylor Genetics
Classification: Uncertain significance for Familial adenomatous polyposis 1. Last evaluated: 2023-08-25. Review status: criteria provided, single submitter. Criteria: ACMG Guidelines, 2015. Collection method: clinical testing. Allele origin: unknown.

Ambry Genetics
Classification: Benign for Hereditary cancer-predisposing syndrome. Last evaluated: 2022-07-14. Review status: criteria provided, single submitter. Criteria: Ambry Variant Classification Scheme 2023. Collection method: clinical testing. Allele origin: germline.

3DMed Clinical Laboratory Inc
Classification: Uncertain significance for Colorectal cancer. Last evaluated: 2018-05-21. Review status: no assertion criteria provided. Criteria: ACMG Guidelines, 2015. Collection method: clinical testing. Allele origin: germline. Affected: yes. Not counted in ClinVar's aggregate classification.

Counsyl
Classification: Uncertain significance for Familial adenomatous polyposis 1. Last evaluated: 2016-09-26. Review status: no assertion criteria provided. Collection method: clinical testing. Allele origin: unknown. Not counted in ClinVar's aggregate classification.

NM_000038.6(APC):c.5290C>G (p.Gln1764Glu)

Gene: APC (APC regulator of Wnt signaling pathway; plus strand). Cytogenetic location: 5q22.2.
Variant type: single nucleotide variant.
Coding change: c.5290C>G on transcript NM_000038.6 (MANE Select); coding-DNA position 5290, C replaced by G.
Protein change: p.Gln1764Glu; replaces glutamine 1764 with glutamic acid.
Molecular consequence: missense variant.
Genome position (GRCh38, 1-based): chr5:112,840,884, C>G. VCF-style: chr5-112840884-C-G. GRCh37 (hg19) VCF-style: chr5-112176581-C-G.
Other names: c.5290C>G, p.Gln1764Glu (NM_001127510.3, NM_001354895.2); c.5236C>G, p.Gln1746Glu (NM_001127511.3); c.5344C>G, p.Gln1782Glu (NM_001354896.2); c.5320C>G, p.Gln1774Glu (NM_001354897.2); c.5215C>G, p.Gln1739Glu (NM_001354898.2); c.5206C>G, p.Gln1736Glu (NM_001354899.2); c.5167C>G, p.Gln1723Glu (NM_001354900.2); c.5113C>G, p.Gln1705Glu (NM_001354901.2); and 5 more; short protein forms Q1746E, Q1764E, Q1638E, Q1673E, Q1705E, Q1736E, Q1481E, Q1604E.
Identifiers: ClinVar variation 141021 (VCV000141021.25), dbSNP rs529543591, ClinGen allele CA010025.